The following is an entry in ClinVar:

NM_001363711.2(DUOX2):c.4613G>A (p.Arg1538Gln)

Gene: DUOX2 (dual oxidase 2; minus strand). Cytogenetic location: 15q21.1.
Variant type: single nucleotide variant.
Coding change: c.4613G>A on transcript NM_001363711.2 (MANE Select); coding-DNA position 4613, G replaced by A.
Protein change: p.Arg1538Gln; replaces arginine 1538 with glutamine.
Molecular consequence: missense variant.
Genome position (GRCh38, 1-based): chr15:45,094,184, C>T on the plus strand (G>A on the coding strand, the complement: DUOX2 is on the minus strand). VCF-style: chr15-45094184-C-T. GRCh37 (hg19) VCF-style: chr15-45386382-C-T.
Other names: c.4613G>A, p.Arg1538Gln (NM_014080.5); short protein forms R1538Q.
Identifiers: ClinVar variation 3612550 (VCV003612550.2).
Genomic context (GRCh38, chr15:45,094,184, plus strand): 5'-GGAAGCAGCAGCCAGGGAGGACAGGCTCAGAAGTTCTCATAGTGGTGCATGAAGTGGGCT[C>T]GGTCCTGCCTGTTGACGAGCTGACAGGCCTTCTCTACATTCTTGGTCATTCCTGGAGGGC-3'
Protein context (NP_001350640.1, residues 1528-1548): KACQLVNRQD[Arg1538Gln]AHFMHHYENF

ClinVar aggregate classification (germline): Uncertain significance (1 of 4 stars; one submission).

gnomAD v4.1: 35 of 1,614,024 alleles (0.0022%); highest among the groups gnomAD compares: South Asian, 0.024%; 1 homozygote.

Submission:

Labcorp Genetics (formerly Invitae), Labcorp
Classification: Uncertain significance. Last evaluated: 2024-02-07. Review status: criteria provided, single submitter. Criteria: Invitae Variant Classification Sherloc (09022015). Collection method: clinical testing. Allele origin: germline.
Comment: This sequence change replaces arginine, which is basic and polar, with glutamine, which is neutral and polar, at codon 1538 of the DUOX2 protein (p.Arg1538Gln). This variant is present in population databases (rs758697659, gnomAD 0.01%). This variant has not been reported in the literature in individuals affected with DUOX2-related conditions. Advanced modeling of protein sequence and biophysical properties (such as structural, functional, and spatial information, amino acid conservation, physicochemical variation, residue mobility, and thermodynamic stability) performed at Invitae indicates that this missense variant is not expected to disrupt DUOX2 protein function with a negative predictive value of 95%. In summary, the available evidence is currently insufficient to determine the role of this variant in disease. Therefore, it has been classified as a Variant of Uncertain Significance.